The following is an entry in ClinVar:

NM_012210.4(TRIM32):c.232G>A (p.Asp78Asn)

Genes: ASTN2 (astrotactin 2; minus strand), TRIM32 (tripartite motif containing 32; plus strand). Cytogenetic location: 9q33.1.
Variant type: single nucleotide variant.
Coding change: c.232G>A on transcript NM_012210.4 (MANE Select); coding-DNA position 232, G replaced by A.
Protein change: p.Asp78Asn; replaces aspartic acid 78 with asparagine.
Molecular consequence: missense variant. On other transcripts: intron variant (3).
Genome position (GRCh38, 1-based): chr9:116,697,974, G>A. VCF-style: chr9-116697974-G-A. GRCh37 (hg19) VCF-style: chr9-119460253-G-A.
Other names: c.232G>A, p.Asp78Asn (NM_001099679.2, NM_001379048.1, NM_001379049.1 and 1 more transcripts); c.2653+27797C>T (NM_014010.5); c.2794+27797C>T (NM_001365069.1); c.2806+27797C>T (NM_001365068.1); short protein forms D78N.
Identifiers: ClinVar variation 834797 (VCV000834797.9), dbSNP rs1252982308, ClinGen allele CA374647843.

ClinVar aggregate classification (germline): Uncertain significance (1 of 4 stars; one submission).

Conditions:
Bardet-Biedl syndrome (BBS). Identifiers: Orphanet 110, MedGen C0752166, MONDO:0015229.

Allele frequency attached by ClinVar (database versions not stated): gnomAD exomes below 0.00001.
gnomAD v4.1: 3 of 1,614,218 alleles (0.00019%); highest among the groups gnomAD compares: Non-Finnish European, 0.00025%; no homozygotes.

Submission:

Labcorp Genetics (formerly Invitae), Labcorp
Classification: Uncertain significance for Bardet-Biedl syndrome. Last evaluated: 2022-11-29. Review status: criteria provided, single submitter. Criteria: Invitae Variant Classification Sherloc (09022015). Collection method: clinical testing. Allele origin: germline.
Comment: In summary, the available evidence is currently insufficient to determine the role of this variant in disease. Therefore, it has been classified as a Variant of Uncertain Significance. Algorithms developed to predict the effect of missense changes on protein structure and function are either unavailable or do not agree on the potential impact of this missense change (SIFT: "Deleterious"; PolyPhen-2: "Probably Damaging"; Align-GVGD: "Class C15"). ClinVar contains an entry for this variant (Variation ID: 834797). This variant has not been reported in the literature in individuals affected with TRIM32-related conditions. This variant is present in population databases (no rsID available, gnomAD 0.0009%). This sequence change replaces aspartic acid, which is acidic and polar, with asparagine, which is neutral and polar, at codon 78 of the TRIM32 protein (p.Asp78Asn).